The following is an entry in ClinVar:

ClinVar aggregate classification (germline): Benign (1 of 4 stars; one submission).

Allele frequency attached by ClinVar (database versions not stated): 1000 Genomes Project 30x 0.26952; gnomAD exomes 0.32400; TOPMed 0.35675; gnomAD 0.35979 and 0.36901.

Submission:

GeneDx
Classification: Benign. Last evaluated: 2018-06-14. Review status: criteria provided, single submitter. Criteria: GeneDx Variant Classification (06012015). Collection method: clinical testing. Allele origin: germline. Affected: yes.
Comment: This variant is considered likely benign or benign based on one or more of the following criteria: it is a conservative change, it occurs at a poorly conserved position in the protein, it is predicted to be benign by multiple in silico algorithms, and/or has population frequency not consistent with disease.

NM_001278716.2(FBXL4):c.1702+291_1702+292insA

Gene: FBXL4 (F-box and leucine rich repeat protein 4; minus strand). Cytogenetic location: 6q16.1.
Variant type: Insertion.
Coding change: c.1702+291_1702+292insA on transcript NM_001278716.2 (MANE Select); bases 291 to 292 of the intron after coding-DNA position 1702, A inserted.
Molecular consequence: intron variant.
Genome position: GRCh38 VCF-style: chr6-98875123-C-CT. GRCh37 (hg19) VCF-style: chr6-99322999-C-CT.
Other names: c.1702+291_1702+292insA (NM_012160.5).
Identifiers: ClinVar variation 680585 (VCV000680585.1), dbSNP rs5878565, ClinGen allele CA143896040.